The following is an entry in ClinVar:

NM_022788.5(P2RY12):c.640A>G (p.Lys214Glu)

Genes: MED12L (mediator complex subunit 12L; plus strand), P2RY12 (purinergic receptor P2Y12; minus strand). Cytogenetic location: 3q25.1.
Variant type: single nucleotide variant.
Coding change: c.640A>G on transcript NM_022788.5 (MANE Select); coding-DNA position 640, A replaced by G.
Protein change: p.Lys214Glu; replaces lysine 214 with glutamic acid.
Molecular consequence: missense variant. On other transcripts: intron variant (2).
Genome position (GRCh38, 1-based): chr3:151,338,206, T>C on the plus strand (A>G on the coding strand, the complement: P2RY12 is on the minus strand). VCF-style: chr3-151338206-T-C. GRCh37 (hg19) VCF-style: chr3-151055994-T-C.
Other names: c.640A>G, p.Lys214Glu (NM_176876.3); c.2251-11853T>C (NM_001393769.1); c.2146-11853T>C (NM_053002.6); short protein forms K214E.
Identifiers: ClinVar variation 2761193 (VCV002761193.4), dbSNP rs746513347, ClinGen allele CA2667826.

ClinVar aggregate classification (germline): Uncertain significance. Review status: criteria provided, multiple submitters, no conflicts (2 of 4 stars). 2 submissions from 2 submitters: Uncertain significance (2). Last evaluated 2023-12-18.

Allele frequency attached by ClinVar (database versions not stated): TOPMed below 0.00001; gnomAD exomes 0.00001; ExAC 0.00002; gnomAD 0.00002.
gnomAD v4.1: 17 of 1,614,128 alleles (0.0011%); highest among the groups gnomAD compares: Admixed American, 0.025%; no homozygotes.

Submissions (2):

Ambry Genetics
Classification: Uncertain significance. Last evaluated: 2023-12-18. Review status: criteria provided, single submitter. Criteria: Ambry Variant Classification Scheme 2023. Collection method: clinical testing. Allele origin: germline.

Labcorp Genetics (formerly Invitae), Labcorp
Classification: Uncertain significance. Last evaluated: 2023-10-23. Review status: criteria provided, single submitter. Criteria: Invitae Variant Classification Sherloc (09022015). Collection method: clinical testing. Allele origin: germline.
Comment: This sequence change replaces lysine, which is basic and polar, with glutamic acid, which is acidic and polar, at codon 214 of the P2RY12 protein (p.Lys214Glu). This variant is present in population databases (rs746513347, gnomAD 0.04%). This variant has not been reported in the literature in individuals affected with P2RY12-related conditions. An algorithm developed to predict the effect of missense changes on protein structure and function (PolyPhen-2) suggests that this variant is likely to be disruptive. In summary, the available evidence is currently insufficient to determine the role of this variant in disease. Therefore, it has been classified as a Variant of Uncertain Significance.